The following is an entry in ClinVar:

NM_017514.5(PLXNA3):c.832T>C (p.Phe278Leu)

Gene: PLXNA3 (plexin A3; plus strand). Cytogenetic location: Xq28.
Variant type: single nucleotide variant.
Coding change: c.832T>C on transcript NM_017514.5 (MANE Select); coding-DNA position 832, T replaced by C.
Protein change: p.Phe278Leu; replaces phenylalanine 278 with leucine.
Molecular consequence: missense variant.
Genome position (GRCh38, 1-based): chrX:154,461,336, T>C. VCF-style: chrX-154461336-T-C. GRCh37 (hg19) VCF-style: chrX-153689676-T-C.
Other names: short protein forms F278L.
Identifiers: ClinVar variation 2540855 (VCV002540855.4), dbSNP rs1557204266, ClinGen allele CA415231385.

ClinVar aggregate classification (germline): Uncertain significance. Review status: criteria provided, single submitter (1 of 4 stars). 2 submissions from 2 submitters: Uncertain significance (1). 1 of the submissions does not count toward it. Last evaluated 2025-08-06.

Conditions:
PLXNA3-related disorder. Also called: PLXNA3-related condition.

Allele frequency attached by ClinVar (database versions not stated): gnomAD 0.00001; gnomAD exomes 0.00001.
gnomAD v4.1: 7 of 1,211,593 alleles (0.00058%); highest among the groups gnomAD compares: Non-Finnish European, 0.00078%; no homozygotes.

Submissions (2):

Ambry Genetics
Classification: Uncertain significance. Last evaluated: 2025-08-06. Review status: criteria provided, single submitter. Criteria: Ambry Variant Classification Scheme 2023. Collection method: clinical testing. Allele origin: germline.

PreventionGenetics, part of Exact Sciences
Classification: Uncertain significance for PLXNA3-related condition. Last evaluated: 2023-11-30. Review status: no assertion criteria provided. Collection method: clinical testing. Allele origin: germline. Not counted in ClinVar's aggregate classification.
Comment: The PLXNA3 c.832T>C variant is predicted to result in the amino acid substitution p.Phe278Leu. To our knowledge, this variant has not been reported in the literature. This variant is reported in 0.0093% of alleles in individuals of European (Non-Finnish) descent in gnomAD. At this time, the clinical significance of this variant is uncertain due to the absence of conclusive functional and genetic evidence.